The following is an entry in ClinVar:

ClinVar aggregate classification (germline): Pathogenic. Review status: criteria provided, multiple submitters, no conflicts (2 of 4 stars). 13 submissions from 13 submitters: Pathogenic (10). 3 of the submissions do not count toward it. Last evaluated 2026-01-24.

Conditions:
Inborn errors of metabolism. Also called: Inborn error of metabolism. Identifiers: Orphanet 68367, MedGen C0025521, MONDO:0019052.
NPC2-related disorder. Also called: NPC2-related condition.
Inborn genetic diseases. Identifiers: MedGen C0950123, MeSH D030342.
Niemann-Pick disease, type C (NPC). Identifiers: Orphanet 646, MedGen C0220756, MONDO:0018982.
Niemann-Pick disease, type C2 (NPC2). Identifiers: Orphanet 646, MedGen C1843366, MONDO:0011873, OMIM 607625.

Allele frequency attached by ClinVar (database versions not stated): TOPMed 0.00007.
gnomAD v4.1: 194 of 1,612,162 alleles (0.012%); highest among the groups gnomAD compares: Non-Finnish European, 0.015%; no homozygotes.

Submissions (13):

Labcorp Genetics (formerly Invitae), Labcorp
Classification: Pathogenic for Niemann-Pick disease, type C2. Last evaluated: 2026-01-24. Review status: criteria provided, single submitter. Criteria: Invitae Variant Classification Sherloc (09022015). Collection method: clinical testing. Allele origin: germline.
Comment: This sequence change creates a premature translational stop signal (p.Glu20*) in the NPC2 gene. It is expected to result in an absent or disrupted protein product. Loss-of-function variants in NPC2 are known to be pathogenic (PMID: 25145893). This variant is present in population databases (rs80358260, gnomAD 0.02%). This premature translational stop signal has been observed in individuals with Niemann-Pick disease type C (PMID: 11125141, 26666848). ClinVar contains an entry for this variant (Variation ID: 8477). For these reasons, this variant has been classified as Pathogenic.

Natera, Inc.
Classification: Pathogenic for Niemann-Pick disease type C2. Last evaluated: 2025-09-22. Review status: criteria provided, single submitter. Criteria: Natera Variant Classification Schema (03/2026). Collection method: clinical testing. Allele origin: germline.
Comment: The c.58G>T variant in NPC2 is a nonsense variant predicted to introduce a stop codon at amino acid 20. This variant is expected to result in nonsense mediated decay, truncation, or a dysfunctional protein product. This variant is rare in the general population with a frequency below the threshold expected for the associated phenotype(s). This variant has been observed in one or more individuals affected with the associated recessive disease, as either homozygous or compound heterozygous with a second variant (PMID: 11567215). Given the available evidence, this variant is classified as Pathogenic.

PreventionGenetics, part of Exact Sciences
Classification: Pathogenic for NPC2-related condition. Last evaluated: 2025-08-01. Review status: criteria provided, single submitter. Criteria: ACMG Guidelines, 2015. Collection method: clinical testing. Allele origin: germline.
Comment: The NPC2 c.58G>T variant is predicted to result in premature protein termination (p.Glu20*). This variant has been reported in the homozygous or compound heterozygous state in Niemann-pick, type C2 patients (Naureckiene et al. 2000. PubMed ID: 11125141, described under alternate gene name HE1; Imrie. 2015. PubMed ID: 26666848) and has been reported to be one of the most common NPC2 causative variants (Vanier and Millat. 2003. PubMed ID: 12974729). Nonsense variants in NPC2 are expected to be pathogenic. This variant is reported in 0.016% of alleles in individuals of European (Non-Finnish) descent in gnomAD. This variant is interpreted as pathogenic.

GeneDx
Classification: Pathogenic. Last evaluated: 2025-07-29. Review status: criteria provided, single submitter. Criteria: GeneDx Variant Classification Process June 2021. Collection method: clinical testing. Allele origin: germline. Affected: yes.
Comment: Nonsense variant predicted to result in protein truncation or nonsense mediated decay in a gene for which loss of function is a known mechanism of disease; This variant is associated with the following publications: (PMID: 20393800, 23433426, 11125141, 23219289, 15808435, 26666848, 29431110, 19252935, 12955717, 20301473, 22073306, 21084287, 16757520, 15937921, 11333381, 11567215, 17470133, 31980526, 33673364, 37555874, 32138288, 38532509, 35892469, 33924575, 34828358, 32931479, 40003936, 35159316, 34096670, 25236789)

North West Genomic Laboratory Hub, Manchester University NHS Foundation Trust
Classification: Pathogenic for Inborn error of metabolism. Last evaluated: 2024-11-18. Review status: criteria provided, single submitter. Criteria: ACGS Best Practice Guidelines for Variant Classification in Rare Disease 2024. Collection method: clinical testing. Allele origin: germline. Affected: yes.
Comment: PM2_Mod PVS1_VStr PM3_Str

Revvity Omics, Revvity
Classification: Pathogenic for Niemann-Pick disease, type C2. Last evaluated: 2022-06-30. Review status: criteria provided, single submitter. Criteria: ACMG Guidelines, 2015. Collection method: clinical testing. Allele origin: germline.

Ambry Genetics
Classification: Pathogenic for Inborn genetic diseases. Last evaluated: 2022-05-23. Review status: criteria provided, single submitter. Criteria: Ambry Variant Classification Scheme 2023. Collection method: clinical testing. Allele origin: germline.
Comment: The c.58G>T (p.E20*) alteration, located in exon 1 (coding exon 1) of the NPC2 gene, consists of a G to T substitution at nucleotide position 58. This changes the amino acid from a glutamic acid (E) to a stop codon at amino acid position 20. This alteration is expected to result in loss of function by premature protein truncation or nonsense-mediated mRNA decay. This alteration has been detected in the homozygous state, and in conjunction with another NPC2 disease-causing alteration, in multiple individuals with Niemann-Pick disease, type C2 (Millat, 2001; Park, 2003; Imrie, 2015; Sudri&eacute;-Arnaud, 2021). Based on the available evidence, this alteration is classified as pathogenic.

Laboratorio de Genetica e Diagnostico Molecular, Hospital Israelita Albert Einstein
Classification: Pathogenic for Niemann-Pick disease, type C2. Last evaluated: 2022-01-28. Review status: criteria provided, single submitter. Criteria: ACMG Guidelines, 2015. Collection method: clinical testing. Allele origin: germline. Affected: yes.
Comment: ACMG classification criteria: PVS1 very strong, PS3 supporting, PS4 strong, PM2 moderate, PM3 very strong

Fulgent Genetics
Classification: Pathogenic for Niemann-Pick disease, type C2. Last evaluated: 2018-10-31. Review status: criteria provided, single submitter. Criteria: ACMG Guidelines, 2015. Collection method: clinical testing. Allele origin: unknown.

Women's Health and Genetics/Laboratory Corporation of America, LabCorp
Classification: Pathogenic for Niemann-Pick disease, type C. Last evaluated: 2017-06-26. Review status: criteria provided, single submitter. Criteria: LabCorp Variant Classification Summary - May 2015. Collection method: clinical testing. Allele origin: germline.

Counsyl
Classification: Pathogenic for Niemann-Pick disease, type C2. Last evaluated: 2017-03-31. Review status: no assertion criteria provided. Collection method: clinical testing. Allele origin: unknown. Not counted in ClinVar's aggregate classification.

OMIM
Classification: Pathogenic for NIEMANN-PICK DISEASE, TYPE C2. Last evaluated: 2007-04-01. Review status: no assertion criteria provided. Collection method: literature only. Allele origin: germline. Not counted in ClinVar's aggregate classification.

GeneReviews
No classification provided. Condition: Niemann-Pick disease, type C2. Review status: no classification provided. Collection method: literature only. Allele origin: unknown. Not counted in ClinVar's aggregate classification.

Literature cited by the submitters: PubMed 25145893 (cited by Labcorp Genetics (formerly Invitae), Labcorp); PubMed 11125141 (cited by 5 submitters); PubMed 26666848 (cited by Labcorp Genetics (formerly Invitae), Labcorp and Ambry Genetics); PubMed 11567215 (cited by 6 submitters); PubMed 12955717 (cited by 3 submitters); PubMed 33673364 (cited by Ambry Genetics); PubMed 23433426 (cited by Women's Health and Genetics/Laboratory Corporation of America, LabCorp); PubMed 25236789 (cited by Women's Health and Genetics/Laboratory Corporation of America, LabCorp); PubMed 17470133 (cited by 3 submitters); PubMed 22073306 (cited by Counsyl); PubMed 15937921 (cited by Counsyl); PubMed 21084287 (cited by Counsyl); PubMed 11333381 (cited by Counsyl); PubMed 16757520 (cited by Counsyl); PubMed 20301473 (cited by GeneReviews); NCBI Bookshelf NBK1296 (cited by GeneReviews).

NM_006432.5(NPC2):c.58G>T (p.Glu20Ter)

Gene: NPC2 (NPC intracellular cholesterol transporter 2; minus strand). Cytogenetic location: 14q24.3.
Variant type: single nucleotide variant.
Coding change: c.58G>T on transcript NM_006432.5 (MANE Select); coding-DNA position 58, G replaced by T.
Protein change: p.Glu20Ter; replaces glutamic acid 20 with a stop codon.
Molecular consequence: nonsense.
Genome position (GRCh38, 1-based): chr14:74,493,217, C>A on the plus strand (G>T on the coding strand, the complement: NPC2 is on the minus strand). VCF-style: chr14-74493217-C-A. GRCh37 (hg19) VCF-style: chr14-74959920-C-A.
Other names: c.58G>T, p.Glu20Ter (NM_001363688.1, NM_001375440.1); short protein forms E20*.
Identifiers: ClinVar variation 8477 (VCV000008477.26), dbSNP rs80358260, ClinGen allele CA340788.